The following is an entry in ClinVar:

NM_012431.3(SEMA3E):c.1533G>T (p.Val511=)

Gene: SEMA3E (semaphorin 3E; minus strand). Cytogenetic location: 7q21.11.
Variant type: single nucleotide variant.
Coding change: c.1533G>T on transcript NM_012431.3 (MANE Select); coding-DNA position 1533, G replaced by T.
Protein change: p.Val511=; no amino-acid change (valine 511 retained).
Molecular consequence: synonymous variant.
Genome position (GRCh38, 1-based): chr7:83,392,689, C>A on the plus strand (G>T on the coding strand, the complement: SEMA3E is on the minus strand). VCF-style: chr7-83392689-C-A. GRCh37 (hg19) VCF-style: chr7-83022005-C-A.
Other names: NC_000007.13:g.83022005C>A; c.1353G>T, p.Val451= (NM_001178129.2).
Identifiers: ClinVar variation 3029182 (VCV003029182.3), dbSNP rs765143049, ClinGen allele CA456133513.
Genomic context (GRCh38, chr7:83,392,689, plus strand): 5'-CAGGCAGCAGTCAGCACAAGCACTTCCATACATGTCACAGTGATGGAATCTGACTTGAGC[C>A]ACAGCAGAAGCAGATCCAATATACAGCTGTTGCTACAGAAATCAGAAAGAGGTCACTAGC-3'
Protein context (NP_036563.1, residues 501-521): QQLYIGSASA[Val511=]AQVRFHHCDM

ClinVar aggregate classification (germline): Likely benign (0 of 4 stars; one submission).

Conditions:
SEMA3E-related disorder. Also called: SEMA3E-related condition.

gnomAD v4.1: 3 of 1,613,648 alleles (0.00019%); highest among the groups gnomAD compares: East Asian, 0.0045%; no homozygotes.

Submissions (2):

PreventionGenetics, part of Exact Sciences
Classification: Likely benign for SEMA3E-related condition. Last evaluated: 2023-11-12. Review status: no assertion criteria provided. Collection method: clinical testing. Allele origin: germline.
Comment: This variant is classified as likely benign based on ACMG/AMP sequence variant interpretation guidelines (Richards et al. 2015 PMID: 25741868, with internal and published modifications).

Dr. Peter K. Rogan Lab, Western University
No classification provided (evidence only). Condition: Malignant tumor of esophagus. Review status: no classification provided. Collection method: in vitro. Allele origin: not applicable. Functional consequence: retained intron. Not counted in ClinVar's aggregate classification.